The following is an entry in ClinVar:

ClinVar aggregate classification (germline): Uncertain significance (1 of 4 stars; one submission).

Conditions:
Inborn genetic diseases. Identifiers: MedGen C0950123, MeSH D030342.

Allele frequency attached by ClinVar (database versions not stated): gnomAD exomes below 0.00001.
gnomAD v4.1: 2 of 1,614,190 alleles (0.00012%); highest among the groups gnomAD compares: Non-Finnish European, 0.00017%; no homozygotes.

Submission:

Ambry Genetics
Classification: Uncertain significance for Inborn genetic diseases. Last evaluated: 2023-01-11. Review status: criteria provided, single submitter. Criteria: Ambry Variant Classification Scheme 2023. Collection method: clinical testing. Allele origin: germline.
Comment: The p.R311G variant (also known as c.931A>G), located in coding exon 4 of the ATR gene, results from an A to G substitution at nucleotide position 931. The arginine at codon 311 is replaced by glycine, an amino acid with dissimilar properties. This amino acid position is conserved. In addition, this alteration is predicted to be tolerated by in silico analysis. Since supporting evidence is limited at this time, the clinical significance of this alteration remains unclear.

NM_001184.4(ATR):c.931A>G (p.Arg311Gly)

Gene: ATR (ATR checkpoint kinase; minus strand). Cytogenetic location: 3q23.
Variant type: single nucleotide variant.
Coding change: c.931A>G on transcript NM_001184.4 (MANE Select); coding-DNA position 931, A replaced by G.
Protein change: p.Arg311Gly; replaces arginine 311 with glycine.
Molecular consequence: missense variant.
Genome position (GRCh38, 1-based): chr3:142,562,471, T>C on the plus strand (A>G on the coding strand, the complement: ATR is on the minus strand). VCF-style: chr3-142562471-T-C. GRCh37 (hg19) VCF-style: chr3-142281313-T-C.
Other names: c.931A>G, p.Arg311Gly (NM_001354579.2); short protein forms R311G.
Identifiers: ClinVar variation 2453564 (VCV002453564.2), dbSNP rs2473426354, ClinGen allele CA354824596.